The following is an entry in ClinVar:

ClinVar aggregate classification (germline): Likely benign (1 of 4 stars; one submission).

gnomAD v4.1: 84 of 1,463,310 alleles (0.0057%); highest among the groups gnomAD compares: Non-Finnish European, 0.0073%; no homozygotes.

Submission:

Women's Health and Genetics/Laboratory Corporation of America, LabCorp
Classification: Likely benign. Last evaluated: 2025-06-16. Review status: criteria provided, single submitter. Criteria: LabCorp Variant Classification Summary - May 2015. Collection method: clinical testing. Allele origin: germline.
Comment: Variant summary: DGAT2 c.635-19C>T alters a nucleotide located at a position not widely known to affect splicing. Consensus agreement among computation tools predict no significant impact on normal splicing. However, these predictions have yet to be confirmed by functional studies. The variant allele was found at a frequency of 5.7e-05 in 1463310 control chromosomes. It is unknown if this frequency is significantly higher than estimated for a pathogenic variant in DGAT2 causing Autosomal dominant charcot-marie-tooth disease type 2 due to DGAT2 mutation, allowing no conclusion about variant significance. To our knowledge, no occurrence of c.635-19C>T in individuals affected with Autosomal dominant charcot-marie-tooth disease type 2 due to DGAT2 mutation and no experimental evidence demonstrating its impact on protein function have been reported. No submitters have cited clinical-significance assessments for this variant to ClinVar. Based on the evidence outlined above, the variant was classified as likely benign.

NM_032564.5(DGAT2):c.635-19C>T

Genes: DGAT2 (diacylglycerol O-acyltransferase 2; plus strand), LOC130006442 (ATAC-STARR-seq lymphoblastoid silent region 3776; plus strand). Cytogenetic location: 11q13.5.
Variant type: single nucleotide variant.
Coding change: c.635-19C>T on transcript NM_032564.5 (MANE Select); 19 bases into the intron before coding-DNA position 635, C replaced by T.
Molecular consequence: intron variant.
Genome position (GRCh38, 1-based): chr11:75,797,139, C>T. VCF-style: chr11-75797139-C-T. GRCh37 (hg19) VCF-style: chr11-75508184-C-T.
Other names: c.506-19C>T (NM_001253891.2).
Identifiers: ClinVar variation 3907085 (VCV003907085.1).